The following is an entry in ClinVar:

ClinVar aggregate classification (germline): Uncertain significance. Review status: criteria provided, multiple submitters, no conflicts (2 of 4 stars). 4 submissions from 4 submitters: Uncertain significance (3). 1 of the submissions does not count toward it. Last evaluated 2024-11-09.

Conditions:
Peroxisome biogenesis disorder. Identifiers: Orphanet 79189, MedGen C1832200, MONDO:0019234. Disease mechanism: loss of function.
Heimler syndrome 2 (HMLR2). Also called: PEROXISOME BIOGENESIS DISORDER 4C. Identifiers: Orphanet 3220, MedGen C4225267, OMIM 616617, MONDO:0014709.
Peroxisome biogenesis disorder 4A (Zellweger) (PBD4A). Also called: Zellweger syndrome spectrum (PEX6-related). Identifiers: Orphanet 912, MedGen C3553936, MONDO:0013930, OMIM 614862. Disease mechanism: loss of function.
Peroxisome biogenesis disorder 4B (PBD4B). Also called: SPINOCEREBELLAR ATAXIA WITH BLINDNESS AND DEAFNESS 1. Identifiers: Orphanet 44, Orphanet 95433, MedGen C3553937, MONDO:0013931, OMIM 614863.
PEX6-related disorder. Also called: PEX6-related condition; PEX6-related disorders.
Zellweger spectrum disorders (ZS). Also called: Zellweger Spectrum Disorder; Zellweger Spectrum; Zellweger syndrome; Zellweger Spectrum Disorder (ZSD). Identifiers: Orphanet 912, MedGen C0043459, MONDO:0019609.

Allele frequency attached by ClinVar (database versions not stated): gnomAD exomes below 0.00001 and 0.00002; TOPMed 0.00001; ExAC 0.00002.
gnomAD v4.1: 5 of 1,614,138 alleles (0.00031%); highest among the groups gnomAD compares: East Asian, 0.011%; no homozygotes.

Submissions (4):

PreventionGenetics, part of Exact Sciences
Classification: Uncertain significance for PEX6-related condition. Last evaluated: 2024-11-09. Review status: criteria provided, single submitter. Criteria: ACMG Guidelines, 2015. Collection method: clinical testing. Allele origin: germline.
Comment: The PEX6 c.635T>A variant is predicted to result in the amino acid substitution p.Leu212His. This variant was reported as a variant of uncertain significance in an individual with non-syndromic hearing loss who also was heterozygous for a likely pathogenic USH2A variant (Supp. Table S1 Han et al. 2019. PubMed ID: 30733538). This variant is reported in 0.022% of alleles in individuals of East Asian descent in gnomAD. At this time, the clinical significance of this variant is uncertain due to the absence of conclusive functional and genetic evidence.

Labcorp Genetics (formerly Invitae), Labcorp
Classification: Uncertain significance for Peroxisome biogenesis disorder. Last evaluated: 2024-10-22. Review status: criteria provided, single submitter. Criteria: Invitae Variant Classification Sherloc (09022015). Collection method: clinical testing. Allele origin: germline.
Comment: This sequence change replaces leucine, which is neutral and non-polar, with histidine, which is basic and polar, at codon 212 of the PEX6 protein (p.Leu212His). This variant is present in population databases (rs779822002, gnomAD 0.02%). This missense change has been observed in individual(s) with clinical features of PEX6-related conditions (internal data). ClinVar contains an entry for this variant (Variation ID: 1056939). Invitae Evidence Modeling of protein sequence and biophysical properties (such as structural, functional, and spatial information, amino acid conservation, physicochemical variation, residue mobility, and thermodynamic stability) has been performed for this missense variant. However, the output from this modeling did not meet the statistical confidence thresholds required to predict the impact of this variant on PEX6 protein function. In summary, the available evidence is currently insufficient to determine the role of this variant in disease. Therefore, it has been classified as a Variant of Uncertain Significance.

Juno Genomics, Hangzhou Juno Genomics, Inc
Classification: Uncertain significance for Heimler syndrome 2; Peroxisome biogenesis disorder 4A (Zellweger); Peroxisome biogenesis disorder 4B. Review status: criteria provided, single submitter. Criteria: ACMG Guidelines, 2015. Collection method: clinical testing. Allele origin: germline.
Comment: Absent from controls (or at extremely low frequency if recessive) in Genome Aggregation Database.;Multiple lines of computational evidence support a deleterious effect on the gene or gene product.

Natera, Inc.
Classification: Uncertain significance for Zellweger syndrome. Last evaluated: 2020-07-01. Review status: no assertion criteria provided. Collection method: clinical testing. Allele origin: germline. Not counted in ClinVar's aggregate classification.

NM_000287.4(PEX6):c.635T>A (p.Leu212His)

Gene: PEX6 (peroxisomal biogenesis factor 6; minus strand). Cytogenetic location: 6p21.1.
Variant type: single nucleotide variant.
Coding change: c.635T>A on transcript NM_000287.4 (MANE Select); coding-DNA position 635, T replaced by A.
Protein change: p.Leu212His; replaces leucine 212 with histidine.
Molecular consequence: missense variant. On other transcripts: non-coding transcript variant (1), intron variant (1).
Genome position (GRCh38, 1-based): chr6:42,978,516, A>T on the plus strand (T>A on the coding strand, the complement: PEX6 is on the minus strand). VCF-style: chr6-42978516-A-T. GRCh37 (hg19) VCF-style: chr6-42946254-A-T.
Other names: c.618+17T>A (NM_001316313.2); c.635T>A (NM_000287.3); short protein forms L212H.
Identifiers: ClinVar variation 1056939 (VCV001056939.10), dbSNP rs779822002, ClinGen allele CA3811592.